The following is an entry in ClinVar:

NM_006231.4(POLE):c.3003G>C (p.Glu1001Asp)

Gene: POLE (DNA polymerase epsilon, catalytic subunit; minus strand). Cytogenetic location: 12q24.33.
Variant type: single nucleotide variant.
Coding change: c.3003G>C on transcript NM_006231.4 (MANE Select); coding-DNA position 3003, G replaced by C.
Protein change: p.Glu1001Asp; replaces glutamic acid 1001 with aspartic acid.
Molecular consequence: missense variant.
Genome position (GRCh38, 1-based): chr12:132,661,026, C>G on the plus strand (G>C on the coding strand, the complement: POLE is on the minus strand). VCF-style: chr12-132661026-C-G. GRCh37 (hg19) VCF-style: chr12-133237612-C-G.
Other names: c.3003G>C (NM_006231.2); short protein forms E1001D.
Identifiers: ClinVar variation 1346658 (VCV001346658.9), dbSNP rs1555225949, ClinGen allele CA387392314.

ClinVar aggregate classification (germline): Uncertain significance. Review status: criteria provided, multiple submitters, no conflicts (2 of 4 stars). 2 submissions from 2 submitters: Uncertain significance (2). Last evaluated 2026-01-30.

Conditions:
Hereditary cancer-predisposing syndrome. Also called: Hereditary neoplastic syndrome; Tumor predisposition; Neoplastic Syndromes, Hereditary; Hereditary Cancer Syndrome. Identifiers: Orphanet 140162, MedGen C0027672, MeSH D009386, MONDO:0015356.

Submissions (2):

Ambry Genetics
Classification: Uncertain significance for Hereditary cancer-predisposing syndrome. Last evaluated: 2026-01-30. Review status: criteria provided, single submitter. Criteria: Ambry Variant Classification Scheme 2023. Collection method: clinical testing. Allele origin: germline.
Comment: The p.E1001D variant (also known as c.3003G>C), located in coding exon 25 of the POLE gene, results from a G to C substitution at nucleotide position 3003. The glutamic acid at codon 1001 is replaced by aspartic acid, an amino acid with highly similar properties. This amino acid position is highly conserved in available vertebrate species. In addition, this alteration is predicted to be tolerated by in silico analysis. Based on the available evidence, the clinical significance of this variant remains unclear.

Labcorp Genetics (formerly Invitae), Labcorp
Classification: Uncertain significance. Last evaluated: 2023-08-04. Review status: criteria provided, single submitter. Criteria: Invitae Variant Classification Sherloc (09022015). Collection method: clinical testing. Allele origin: germline.
Comment: ClinVar contains an entry for this variant (Variation ID: 1346658). This variant has not been reported in the literature in individuals affected with POLE-related conditions. This variant is not present in population databases (gnomAD no frequency). This sequence change replaces glutamic acid, which is acidic and polar, with aspartic acid, which is acidic and polar, at codon 1001 of the POLE protein (p.Glu1001Asp). In summary, the available evidence is currently insufficient to determine the role of this variant in disease. Therefore, it has been classified as a Variant of Uncertain Significance. Advanced modeling of protein sequence and biophysical properties (such as structural, functional, and spatial information, amino acid conservation, physicochemical variation, residue mobility, and thermodynamic stability) performed at Invitae indicates that this missense variant is not expected to disrupt POLE protein function.